The following is an entry in ClinVar:

NM_001243133.2(NLRP3):c.2337C>G (p.Gly779=)

Gene: NLRP3 (NLR family pyrin domain containing 3; plus strand). Cytogenetic location: 1q44.
Variant type: single nucleotide variant.
Coding change: c.2337C>G on transcript NM_001243133.2 (MANE Select); coding-DNA position 2337, C replaced by G.
Protein change: p.Gly779=; no amino-acid change (glycine 779 retained).
Molecular consequence: synonymous variant.
Genome position (GRCh38, 1-based): chr1:247,434,118, C>G. VCF-style: chr1-247434118-C-G. GRCh37 (hg19) VCF-style: chr1-247597420-C-G.
Other names: c.2337C>G, p.Gly779= (NM_001079821.3, NM_001127461.3); c.2166C>G, p.Gly722= (NM_001127462.3, NM_183395.3); c.2343C>G, p.Gly781= (NM_004895.5).
Identifiers: ClinVar variation 3030064 (VCV003030064.4), dbSNP rs1158950298, ClinGen allele CA424420425.

ClinVar aggregate classification (germline): Likely benign. Review status: criteria provided, single submitter (1 of 4 stars). 2 submissions from 2 submitters: Likely benign (1). 1 of the submissions does not count toward it. Last evaluated 2024-12-04.

Conditions:
Cryopyrin associated periodic syndrome (CAPS). Identifiers: Orphanet 208650, MedGen C2316212, MONDO:0016168.
NLRP3-related disorder. Also called: NLRP3-related condition; NLRP3-Related Disorders.

Allele frequency attached by ClinVar (database versions not stated): gnomAD 0.00001; gnomAD exomes 0.00001; TOPMed 0.00001.
gnomAD v4.1: 13 of 1,614,126 alleles (0.00081%); highest among the groups gnomAD compares: Non-Finnish European, 0.0011%; no homozygotes.

Submissions (2):

Labcorp Genetics (formerly Invitae), Labcorp
Classification: Likely benign for Cryopyrin associated periodic syndrome. Last evaluated: 2024-12-04. Review status: criteria provided, single submitter. Criteria: Invitae Variant Classification Sherloc (09022015). Collection method: clinical testing. Allele origin: germline.

PreventionGenetics, part of Exact Sciences
Classification: Likely benign for NLRP3-related condition. Last evaluated: 2021-02-22. Review status: no assertion criteria provided. Collection method: clinical testing. Allele origin: germline. Not counted in ClinVar's aggregate classification.
Comment: This variant is classified as likely benign based on ACMG/AMP sequence variant interpretation guidelines (Richards et al. 2015 PMID: 25741868, with internal and published modifications).